The following is an entry in ClinVar:

ClinVar aggregate classification (germline): Uncertain significance. Review status: criteria provided, multiple submitters, no conflicts (2 of 4 stars). 2 submissions from 2 submitters: Uncertain significance (2). Last evaluated 2025-04-11.

Conditions:
Inborn genetic diseases. Identifiers: MedGen C0950123, MeSH D030342.

Allele frequency attached by ClinVar (database versions not stated): ESP Exome Variant Server 0.00008; gnomAD 0.00002; TOPMed 0.00003; ExAC 0.00004; 1000 Genomes Project 30x 0.00016; 1000 Genomes Project 0.00020.
gnomAD v4.1: 68 of 1,612,992 alleles (0.0042%); highest among the groups gnomAD compares: African/African-American, 0.0053%; no homozygotes.

Submissions (2):

Ambry Genetics
Classification: Uncertain significance for Inborn genetic diseases. Last evaluated: 2025-04-11. Review status: criteria provided, single submitter. Criteria: Ambry Variant Classification Scheme 2023. Collection method: clinical testing. Allele origin: germline.

Labcorp Genetics (formerly Invitae), Labcorp
Classification: Uncertain significance. Last evaluated: 2022-05-15. Review status: criteria provided, single submitter. Criteria: Invitae Variant Classification Sherloc (09022015). Collection method: clinical testing. Allele origin: germline.
Comment: Algorithms developed to predict the effect of missense changes on protein structure and function (SIFT, PolyPhen-2, Align-GVGD) all suggest that this variant is likely to be tolerated. This sequence change replaces valine, which is neutral and non-polar, with methionine, which is neutral and non-polar, at codon 1910 of the LRRK1 protein (p.Val1910Met). This variant is present in population databases (rs372723036, gnomAD 0.007%). This variant has not been reported in the literature in individuals affected with LRRK1-related conditions. In summary, the available evidence is currently insufficient to determine the role of this variant in disease. Therefore, it has been classified as a Variant of Uncertain Significance.

NM_024652.6(LRRK1):c.5728G>A (p.Val1910Met)

Genes: LRRK1 (leucine rich repeat kinase 1; plus strand), LRRK1-AS1 (LRRK1 antisense RNA 1; minus strand). Cytogenetic location: 15q26.3.
Variant type: single nucleotide variant.
Coding change: c.5728G>A on transcript NM_024652.6 (MANE Select); coding-DNA position 5728, G replaced by A.
Protein change: p.Val1910Met; replaces valine 1910 with methionine.
Molecular consequence: missense variant.
Genome position (GRCh38, 1-based): chr15:101,066,165, G>A. VCF-style: chr15-101066165-G-A. GRCh37 (hg19) VCF-style: chr15-101606370-G-A.
Other names: c.5728G>A (NM_024652.3); short protein forms V1910M.
Identifiers: ClinVar variation 1899681 (VCV001899681.5), dbSNP rs372723036, ClinGen allele CA7762211.